The following is an entry in ClinVar:

ClinVar aggregate classification (germline): Likely benign (1 of 4 stars; one submission).

Allele frequency attached by ClinVar (database versions not stated): 1000 Genomes Project 30x 0.00921; 1000 Genomes Project 0.00958; TOPMed 0.02329; gnomAD 0.02391 and 0.02503.
gnomAD v4.1: 3,696 of 152,080 alleles (2.4%); highest among the groups gnomAD compares: Non-Finnish European, 3.6%; 60 homozygotes.

Submission:

GeneDx
Classification: Likely benign. Last evaluated: 2018-06-16. Review status: criteria provided, single submitter. Criteria: GeneDx Variant Classification (06012015). Collection method: clinical testing. Allele origin: germline. Affected: yes.
Comment: This variant is considered likely benign or benign based on one or more of the following criteria: it is a conservative change, it occurs at a poorly conserved position in the protein, it is predicted to be benign by multiple in silico algorithms, and/or has population frequency not consistent with disease.

NM_024876.4(COQ8B):c.1297-179C>T

Gene: COQ8B (coenzyme Q8B; minus strand). Cytogenetic location: 19q13.2.
Variant type: single nucleotide variant.
Coding change: c.1297-179C>T on transcript NM_024876.4 (MANE Select); 179 bases into the intron before coding-DNA position 1297, C replaced by T.
Molecular consequence: intron variant.
Genome position (GRCh38, 1-based): chr19:40,692,552, G>A on the plus strand (C>T on the coding strand, the complement: COQ8B is on the minus strand). VCF-style: chr19-40692552-G-A. GRCh37 (hg19) VCF-style: chr19-41198457-G-A.
Other names: c.1174-179C>T (NM_001142555.3).
Identifiers: ClinVar variation 673719 (VCV000673719.1), dbSNP rs117003019, ClinGen allele CA308435298.